The following is an entry in ClinVar:

ClinVar aggregate classification (germline): Uncertain significance (1 of 4 stars; one submission).

Conditions:
Combined immunodeficiency with skin granulomas. Identifiers: Orphanet 157949, MedGen C2673536, MONDO:0009306, OMIM 233650.
Severe combined immunodeficiency, autosomal recessive, T cell-negative, B cell-negative, NK cell-positive. Also called: SCID, AR, T-cell negative, B-cell negative, NK cell-positive; SCID, T CELL-NEGATIVE, B CELL-NEGATIVE, NK CELL-POSITIVE; Severe combined immunodeficiency due to complete RAG1/2 deficiency. Identifiers: Orphanet 331206, MedGen C1832322, MONDO:0011086, OMIM 601457.

Submission:

Labcorp Genetics (formerly Invitae), Labcorp
Classification: Uncertain significance for Combined immunodeficiency with skin granulomas; Severe combined immunodeficiency, autosomal recessive, T cell-negative, B cell-negative, NK cell-positive. Last evaluated: 2024-09-10. Review status: criteria provided, single submitter. Criteria: Invitae Variant Classification Sherloc (09022015). Collection method: clinical testing. Allele origin: germline.
Comment: This sequence change replaces glycine, which is neutral and non-polar, with alanine, which is neutral and non-polar, at codon 613 of the RAG1 protein (p.Gly613Ala). This variant is not present in population databases (gnomAD no frequency). This variant has not been reported in the literature in individuals affected with RAG1-related conditions. Invitae Evidence Modeling of protein sequence and biophysical properties (such as structural, functional, and spatial information, amino acid conservation, physicochemical variation, residue mobility, and thermodynamic stability) has been performed for this missense variant. However, the output from this modeling did not meet the statistical confidence thresholds required to predict the impact of this variant on RAG1 protein function. In summary, the available evidence is currently insufficient to determine the role of this variant in disease. Therefore, it has been classified as a Variant of Uncertain Significance.

NM_000448.3(RAG1):c.1838G>C (p.Gly613Ala)

Gene: RAG1 (recombination activating 1; plus strand). Cytogenetic location: 11p12.
Variant type: single nucleotide variant.
Coding change: c.1838G>C on transcript NM_000448.3 (MANE Select); coding-DNA position 1838, G replaced by C.
Protein change: p.Gly613Ala; replaces glycine 613 with alanine.
Molecular consequence: missense variant.
Genome position (GRCh38, 1-based): chr11:36,575,142, G>C. VCF-style: chr11-36575142-G-C. GRCh37 (hg19) VCF-style: chr11-36596692-G-C.
Other names: c.1838G>C, p.Gly613Ala (NM_001377277.1, NM_001377278.1, NM_001377279.1 and 1 more transcripts); short protein forms G613A.
Identifiers: ClinVar variation 3762891 (VCV003762891.1).